The following is an entry in ClinVar:

NM_001080421.3(UNC13A):c.4203C>T (p.Ile1401=)

Gene: UNC13A (unc-13 homolog A; minus strand). Cytogenetic location: 19p13.11.
Variant type: single nucleotide variant.
Coding change: c.4203C>T on transcript NM_001080421.3 (MANE Select); coding-DNA position 4203, C replaced by T.
Protein change: p.Ile1401=; no amino-acid change (isoleucine 1401 retained).
Molecular consequence: synonymous variant. On other transcripts: intron variant (3).
Genome position (GRCh38, 1-based): chr19:17,623,542, G>A on the plus strand (C>T on the coding strand, the complement: UNC13A is on the minus strand). VCF-style: chr19-17623542-G-A. GRCh37 (hg19) VCF-style: chr19-17734351-G-A.
Other names: c.4188+1287C>T (NM_001387022.1); c.4191+1287C>T (NM_001387023.1, NM_001387021.1).
Identifiers: ClinVar variation 3032021 (VCV003032021.2), dbSNP rs373253159, ClinGen allele CA9297788.

ClinVar aggregate classification (germline): Likely benign (0 of 4 stars; one submission).

Conditions:
UNC13A-related disorder. Also called: UNC13A-related condition.

Allele frequency attached by ClinVar (database versions not stated): gnomAD 0.00005; ESP Exome Variant Server 0.00008; ExAC 0.00009; TOPMed 0.00010; gnomAD exomes 0.00011; 1000 Genomes Project 30x 0.00016.
gnomAD v4.1: 139 of 1,372,664 alleles (0.01%); highest among the groups gnomAD compares: Admixed American, 0.02%; no homozygotes.

Submission:

PreventionGenetics, part of Exact Sciences
Classification: Likely benign for UNC13A-related condition. Last evaluated: 2022-09-20. Review status: no assertion criteria provided. Collection method: clinical testing. Allele origin: germline.
Comment: This variant is classified as likely benign based on ACMG/AMP sequence variant interpretation guidelines (Richards et al. 2015 PMID: 25741868, with internal and published modifications).